The following is an entry in ClinVar:

ClinVar aggregate classification (germline): Uncertain significance (1 of 4 stars; one submission).

Conditions:
Baller-Gerold syndrome (BGS). Also called: CRANIOSYNOSTOSIS WITH RADIAL DEFECTS. Identifiers: Orphanet 1225, MedGen C0265308, MONDO:0009039, OMIM 218600.

Allele frequency attached by ClinVar (database versions not stated): gnomAD exomes 0.00001; TOPMed 0.00001; ExAC 0.00003.
gnomAD v4.1: 8 of 1,577,900 alleles (0.00051%); highest among the groups gnomAD compares: Non-Finnish European, 0.00069%; no homozygotes.

Submission:

Labcorp Genetics (formerly Invitae), Labcorp
Classification: Uncertain significance for Baller-Gerold syndrome. Last evaluated: 2024-11-14. Review status: criteria provided, single submitter. Criteria: Invitae Variant Classification Sherloc (09022015). Collection method: clinical testing. Allele origin: germline.
Comment: This sequence change replaces alanine, which is neutral and non-polar, with threonine, which is neutral and polar, at codon 890 of the RECQL4 protein (p.Ala890Thr). The frequency data for this variant in the population databases is considered unreliable, as metrics indicate poor data quality at this position in the gnomAD database. This variant has not been reported in the literature in individuals affected with RECQL4-related conditions. ClinVar contains an entry for this variant (Variation ID: 956714). Invitae Evidence Modeling of protein sequence and biophysical properties (such as structural, functional, and spatial information, amino acid conservation, physicochemical variation, residue mobility, and thermodynamic stability) indicates that this missense variant is not expected to disrupt RECQL4 protein function with a negative predictive value of 80%. In summary, the available evidence is currently insufficient to determine the role of this variant in disease. Therefore, it has been classified as a Variant of Uncertain Significance.

NM_004260.4(RECQL4):c.2668G>A (p.Ala890Thr)

Gene: RECQL4 (RecQ like helicase 4; minus strand). Cytogenetic location: 8q24.3.
Variant type: single nucleotide variant.
Coding change: c.2668G>A on transcript NM_004260.4 (MANE Select); coding-DNA position 2668, G replaced by A.
Protein change: p.Ala890Thr; replaces alanine 890 with threonine.
Molecular consequence: missense variant.
Genome position (GRCh38, 1-based): chr8:144,512,934, C>T on the plus strand (G>A on the coding strand, the complement: RECQL4 is on the minus strand). VCF-style: chr8-144512934-C-T. GRCh37 (hg19) VCF-style: chr8-145738317-C-T.
Other names: short protein forms A890T.
Identifiers: ClinVar variation 956714 (VCV000956714.6), dbSNP rs750381540, ClinGen allele CA4948154.